The following is an entry in ClinVar:

ClinVar aggregate classification (germline): Conflicting classifications of pathogenicity. Review status: criteria provided, conflicting classifications (1 of 4 stars). 2 submissions from 2 submitters: Likely pathogenic (1); Uncertain significance (1). Last evaluated 2026-04-14.

Conditions:
Cholestasis. Identifiers: MedGen C0008370, MONDO:0001751, HP:0001396.
Familial intrahepatic cholestasis. Identifiers: Orphanet 284385, MedGen CN296401, MONDO:0017290.

Submissions (2):

Genomenon, Inc
Classification: Uncertain significance for Familial intrahepatic cholestasis. Last evaluated: 2026-04-14. Review status: criteria provided, single submitter. Criteria: Genomenon Sequence Variant Interpretation Standards - Updated. Collection method: curation. Allele origin: germline. Affected: yes.
Comment: ABCB4 p.Gly527Glu (c.1580G>A) is a missense variant that changes the amino acid at residue 527 from Glycine to Glutamic acid. This variant has been observed in at least one proband with an ABCB4-related disorder (PMID:33546617). It is absent or not present at a significant frequency in gnomAD. In silico models predict that this variant is possibly or probably damaging. In conclusion, we classify ABCB4 p.Gly527Glu (c.1580G>A) as a variant of uncertain significance.

Institute Of Liver Studies, NHS South East Genomic Laboratory Hub
Classification: Likely pathogenic for Cholestasis. Last evaluated: 2023-08-09. Review status: criteria provided, single submitter. Criteria: ACMG Guidelines, 2015. Collection method: clinical testing. Allele origin: germline. Affected: yes.

Literature cited by the submitters: PubMed 33546617 (cited by Genomenon, Inc).

NM_000443.4(ABCB4):c.1580G>A (p.Gly527Glu)

Gene: ABCB4 (ATP binding cassette subfamily B member 4; minus strand). Cytogenetic location: 7q21.12.
Variant type: single nucleotide variant.
Coding change: c.1580G>A on transcript NM_000443.4 (MANE Select); coding-DNA position 1580, G replaced by A.
Protein change: p.Gly527Glu; replaces glycine 527 with glutamic acid.
Molecular consequence: missense variant.
Genome position (GRCh38, 1-based): chr7:87,439,818, C>T on the plus strand (G>A on the coding strand, the complement: ABCB4 is on the minus strand). VCF-style: chr7-87439818-C-T. GRCh37 (hg19) VCF-style: chr7-87069134-C-T.
Other names: c.1580G>A, p.Gly527Glu (NM_018849.3, NM_018850.3); short protein forms G527E.
Identifiers: ClinVar variation 4846473 (VCV004846473.2).
Genomic context (GRCh38, chr7:87,439,818, plus strand): 5'-AGGGCACGTGCAATGGCGATCCTCTGCTTCTGCCCACCACTCAGCTGGGCCCCTCTCTCT[C>T]CAACCAGGGTGTCAAATTTCTAACACAGAAAACATGGATCAGCTCTTGAAGTAACTTAAA-3'
Protein context (NP_000434.1, residues 517-537): KLPQKFDTLV[Gly527Glu]ERGAQLSGGQ